The following is an entry in ClinVar:

NM_001378477.3(NYX):c.946del (p.Ala316fs)

Gene: NYX (nyctalopin; plus strand). Cytogenetic location: Xp11.4.
Variant type: Deletion.
Coding change: c.946del on transcript NM_001378477.3 (MANE Select); coding-DNA position 946, one base deleted (G; older notation c.946delG).
Protein change: p.Ala316fs; shifts the reading frame from alanine 316.
Molecular consequence: frameshift variant.
Genome position (GRCh38, 1-based): chrX:41,474,414, G deleted. VCF-style (leftmost placement, unchanged base first): chrX-41474413-CG-C. GRCh37 (hg19) VCF-style: chrX-41333666-CG-C.
Other names: c.946del, p.Ala316fs (NM_022567.3); short protein forms A316fs.
Identifiers: ClinVar variation 3727679 (VCV003727679.2).
Genomic context (GRCh38, chrX:41,474,413, plus strand): 5'-CCTCTCGGGTCTCCTCGCGCTGCACCTCAACGGCAACCGCCTCACCGTGCTCGCCTGGGT[CG>C]CCTTCCAGCCCGGCTTCTTCCTGGGCCGCCTCTTCCTCTTCCGCAACCCGTGGTGCTGCG-3'

ClinVar aggregate classification (germline): Pathogenic (1 of 4 stars; one submission).

Submission:

Labcorp Genetics (formerly Invitae), Labcorp
Classification: Pathogenic. Last evaluated: 2024-12-19. Review status: criteria provided, single submitter. Criteria: Invitae Variant Classification Sherloc (09022015). Collection method: clinical testing. Allele origin: germline.
Comment: This sequence change creates a premature translational stop signal (p.Ala321Profs*27) in the NYX gene. While this is not anticipated to result in nonsense mediated decay, it is expected to disrupt the last 161 amino acid(s) of the NYX protein. This variant is not present in population databases (gnomAD no frequency). This variant has not been reported in the literature in individuals affected with NYX-related conditions. This variant disrupts a region of the NYX protein in which other variant(s) (p.Cys362*) have been determined to be pathogenic (internal data). This suggests that this is a clinically significant region of the protein, and that variants that disrupt it are likely to be disease-causing. For these reasons, this variant has been classified as Pathogenic.